The following is an entry in ClinVar:

NM_030665.4(RAI1):c.942C>T (p.Tyr314=)

Gene: RAI1 (retinoic acid induced 1; plus strand). Cytogenetic location: 17p11.2.
Variant type: single nucleotide variant.
Coding change: c.942C>T on transcript NM_030665.4 (MANE Select); coding-DNA position 942, C replaced by T.
Protein change: p.Tyr314=; no amino-acid change (tyrosine 314 retained).
Molecular consequence: synonymous variant.
Genome position (GRCh38, 1-based): chr17:17,793,890, C>T. VCF-style: chr17-17793890-C-T. GRCh37 (hg19) VCF-style: chr17-17697204-C-T.
Other names: c.942C>T (NM_030665.3).
Identifiers: ClinVar variation 2155391 (VCV002155391.5), dbSNP rs373988626, ClinGen allele CA8418237.

ClinVar aggregate classification (germline): Likely benign. Review status: criteria provided, single submitter (1 of 4 stars). 2 submissions from 2 submitters: Likely benign (1). 1 of the submissions does not count toward it. Last evaluated 2023-06-25.

Conditions:
RAI1-related disorder. Also called: RAI1-related condition.

Allele frequency attached by ClinVar (database versions not stated): gnomAD exomes below 0.00001; gnomAD 0.00002; TOPMed 0.00002; ExAC 0.00003; ESP Exome Variant Server 0.00008.
gnomAD v4.1: 10 of 1,613,684 alleles (0.00062%); highest among the groups gnomAD compares: Admixed American, 0.0067%; no homozygotes.

Submissions (2):

Labcorp Genetics (formerly Invitae), Labcorp
Classification: Likely benign. Last evaluated: 2023-06-25. Review status: criteria provided, single submitter. Criteria: Invitae Variant Classification Sherloc (09022015). Collection method: clinical testing. Allele origin: germline.

PreventionGenetics, part of Exact Sciences
Classification: Likely benign for RAI1-related condition. Last evaluated: 2022-07-14. Review status: no assertion criteria provided. Collection method: clinical testing. Allele origin: germline. Not counted in ClinVar's aggregate classification.
Comment: This variant is classified as likely benign based on ACMG/AMP sequence variant interpretation guidelines (Richards et al. 2015 PMID: 25741868, with internal and published modifications).